The following is an entry in ClinVar:

ClinVar aggregate classification (germline): Uncertain significance (1 of 4 stars; one submission).

Conditions:
Werner syndrome (WRN). Identifiers: Orphanet 902, MedGen C0043119, MONDO:0010196, OMIM 277700.

Allele frequency attached by ClinVar (database versions not stated): gnomAD 0.00001.
gnomAD v4.1: 2 of 1,613,482 alleles (0.00012%); highest among the groups gnomAD compares: African/African-American, 0.0027%; no homozygotes.

Submission:

Labcorp Genetics (formerly Invitae), Labcorp
Classification: Uncertain significance for Werner syndrome. Last evaluated: 2020-11-05. Review status: criteria provided, single submitter. Criteria: Invitae Variant Classification Sherloc (09022015). Collection method: clinical testing. Allele origin: germline.
Comment: This sequence change falls in intron 20 of the WRN gene. It does not directly change the encoded amino acid sequence of the WRN protein. It affects a nucleotide within the consensus splice site of the intron. This variant is not present in population databases (ExAC no frequency). This variant has not been reported in the literature in individuals with WRN-related conditions. Nucleotide substitutions within the consensus splice site are a relatively common cause of aberrant splicing (PMID: 17576681, 9536098). Algorithms developed to predict the effect of sequence changes on RNA splicing suggest that this variant may disrupt the consensus splice site, but this prediction has not been confirmed by published transcriptional studies. In summary, the available evidence is currently insufficient to determine the role of this variant in disease. Therefore, it has been classified as a Variant of Uncertain Significance.

Literature cited by the submitters: PubMed 17576681; PubMed 9536098.

NM_000553.6(WRN):c.2448+5G>T

Gene: WRN (WRN RecQ like helicase; plus strand). Cytogenetic location: 8p12.
Variant type: single nucleotide variant.
Coding change: c.2448+5G>T on transcript NM_000553.6 (MANE Select); 5 bases into the intron after coding-DNA position 2448, G replaced by T.
Molecular consequence: intron variant.
Genome position (GRCh38, 1-based): chr8:31,116,533, G>T. VCF-style: chr8-31116533-G-T. GRCh37 (hg19) VCF-style: chr8-30974049-G-T.
Identifiers: ClinVar variation 1471009 (VCV001471009.6), dbSNP rs1038943357, ClinGen allele CA174880285.